The following is an entry in ClinVar:

NM_203446.3(SYNJ1):c.395G>A (p.Trp132Ter)

Gene: SYNJ1 (synaptojanin 1; minus strand). Cytogenetic location: 21q22.11.
Variant type: single nucleotide variant.
Coding change: c.395G>A on transcript NM_203446.3 (MANE Select); coding-DNA position 395, G replaced by A.
Protein change: p.Trp132Ter; replaces tryptophan 132 with a stop codon.
Molecular consequence: nonsense.
Genome position (GRCh38, 1-based): chr21:32,699,922, C>T on the plus strand (G>A on the coding strand, the complement: SYNJ1 is on the minus strand). VCF-style: chr21-32699922-C-T. GRCh37 (hg19) VCF-style: chr21-34072232-C-T.
Other names: c.395G>A, p.Trp132Ter (NM_001160302.2, NM_001160306.2); c.512G>A, p.Trp171Ter (NM_003895.4); short protein forms W171*, W132*.
Identifiers: ClinVar variation 549503 (VCV000549503.2), dbSNP rs1555907463, ClinGen allele CA410101386.

ClinVar aggregate classification (germline): Pathogenic (1 of 4 stars; one submission).

Conditions:
Early-onset Parkinson disease 20. Also called: PARKINSON DISEASE 20, AUTOSOMAL RECESSIVE EARLY-ONSET. Identifiers: Orphanet 391411, MedGen C3809824, MONDO:0014233, OMIM 615530.

Submission:

Institute for Human Genetics, University Medical Center Freiburg
Classification: Pathogenic for Early-onset Parkinson disease 20. Last evaluated: 2016-08-30. Review status: criteria provided, single submitter. Criteria: Rauschendorf et al. (Mov Disord. 2017). Collection method: case-control. Allele origin: germline. Affected: yes.
Comment: This variant was found in two German patients with epilepsy early in the disease course, followed by progressive generalized dopa-responsive dystonia associated with severe action tremor of the tongue, head, and extremities in their early teen years, and cognitive deterioration. We identified compound heterozygous mutations (NP_982271.2:p.Trp171*/NP_982271.2:p.Arg258Gln) in the SYNJ1 gene, affecting the N-terminal suppressor of actin1 (SAC1)-like domain of the SYNJ1 protein.